The following is an entry in ClinVar:

ClinVar aggregate classification (germline): Uncertain significance (1 of 4 stars; one submission).

gnomAD v4.1: 1 of 1,594,256 alleles (0.000063%); highest among the groups gnomAD compares: Non-Finnish European, 0.000085%; no homozygotes.

Submission:

Athena Diagnostics
Classification: Uncertain significance. Last evaluated: 2024-06-26. Review status: criteria provided, single submitter. Criteria: Athena Diagnostics Criteria. Collection method: clinical testing. Allele origin: unknown.
Comment: Available data are insufficient to determine the clinical significance of the variant at this time. The frequency of this variant in the general population is uninformative in assessment of its pathogenicity. Polyphen and MutationTaster predict this amino acid change may be benign.

NM_002693.3(POLG):c.124C>G (p.Arg42Gly)

Genes: POLG (DNA polymerase gamma, catalytic subunit; minus strand), POLGARF (POLG alternative reading frame; minus strand). Cytogenetic location: 15q26.1.
Variant type: single nucleotide variant.
Coding change: c.124C>G on transcript NM_002693.3 (MANE Select); coding-DNA position 124, C replaced by G.
Protein change: p.Arg42Gly; replaces arginine 42 with glycine.
Molecular consequence: missense variant.
Genome position (GRCh38, 1-based): chr15:89,333,631, G>C on the plus strand (C>G on the coding strand, the complement: POLG is on the minus strand). VCF-style: chr15-89333631-G-C. GRCh37 (hg19) VCF-style: chr15-89876862-G-C.
Other names: c.179C>G, p.Ala60Gly (NM_001430120.1); c.124C>G, p.Arg42Gly (NM_001126131.2); short protein forms A60G, R42G.
Identifiers: ClinVar variation 3571836 (VCV003571836.1).